The following is an entry in ClinVar:

NM_004415.4(DSP):c.6187C>G (p.Arg2063Gly)

Gene: DSP (desmoplakin; plus strand). Cytogenetic location: 6p24.3.
Variant type: single nucleotide variant.
Coding change: c.6187C>G on transcript NM_004415.4 (MANE Select); coding-DNA position 6187, C replaced by G.
Protein change: p.Arg2063Gly; replaces arginine 2063 with glycine.
Molecular consequence: missense variant.
Genome position (GRCh38, 1-based): chr6:7,583,449, C>G. VCF-style: chr6-7583449-C-G. GRCh37 (hg19) VCF-style: chr6-7583682-C-G.
Other names: c.6187C>G (LRG_423t1); c.4390C>G, p.Arg1464Gly (NM_001008844.3); c.4858C>G, p.Arg1620Gly (NM_001319034.2); short protein forms R2063G, R1464G, R1620G.
Identifiers: ClinVar variation 519513 (VCV000519513.17), dbSNP rs374090050, ClinGen allele CA046989.
Genomic context (GRCh38, chr6:7,583,449, plus strand): 5'-GAATCCACAGTCATGCTTCTGGAGGCCCAGGCAGCTACAGGTGGTATAATTGATCCCCAT[C>G]GGAATGAGAAGCTGACTGTCGACAGTGCCATAGCTCGGGACCTCATTGACTTCGATGACC-3'
Protein context (NP_004406.2, residues 2053-2073): AATGGIIDPH[Arg2063Gly]NEKLTVDSAI

ClinVar aggregate classification (germline): Conflicting classifications of pathogenicity. Review status: criteria provided, conflicting classifications (1 of 4 stars). 4 submissions from 4 submitters: Uncertain significance (3); Likely benign (1). Last evaluated 2024-12-23.

Conditions:
Arrhythmogenic cardiomyopathy with wooly hair and keratoderma. Also called: PALMOPLANTAR KERATODERMA WITH LEFT VENTRICULAR CARDIOMYOPATHY AND WOOLLY HAIR; Arrhythmogenic cardiomyopathy with woolly hair and keratoderma; Dilated cardiomyopathy with woolly hair and keratoderma; Carvajal syndrome. Identifiers: Orphanet 65282, MedGen C1854063, MONDO:0011581, OMIM 605676.
Arrhythmogenic right ventricular dysplasia 8 (ARVD8). Also called: ARRHYTHMOGENIC RIGHT VENTRICULAR CARDIOMYOPATHY 8; ARRHYTHMOGENIC RIGHT VENTRICULAR DYSPLASIA, FAMILIAL, 8; Arrhythmogenic Right Ventricular Dysplasia/Cardiomyopathy 8. Identifiers: MedGen C1843896, MONDO:0011831, OMIM 607450.
Cardiovascular phenotype. Identifiers: MedGen CN230736.
Lethal acantholytic epidermolysis bullosa (EBLA). Identifiers: Orphanet 158687, MedGen C1864826, MONDO:0012323, OMIM 609638.
Keratosis palmoplantaris striata 2. Also called: Keratosis palmoplantaris striata II; KERATODERMA, PALMOPLANTAR, STRIATE FORM II; STRIATE PALMOPLANTAR KERATODERMA II. Identifiers: MedGen C1852127, MONDO:0013034, OMIM 612908.
Woolly hair-skin fragility syndrome (WHSF). Identifiers: Orphanet 293165, MedGen C1843292, MONDO:0957307, OMIM 620415.
Cardiomyopathy, dilated, with wooly hair, keratoderma, and tooth agenesis. Also called: Cardiomyopathy, dilated, with woolly hair, keratoderma, and tooth agenesis; Erythrokeratodermia-cardiomyopathy syndrome. Identifiers: Orphanet 476096, Orphanet 65282, MedGen C4014393, MONDO:0014355, OMIM 615821.

Allele frequency attached by ClinVar (database versions not stated): gnomAD 0.00003; TOPMed 0.00004; ESP Exome Variant Server 0.00008.
gnomAD v4.1: 5 of 1,614,026 alleles (0.00031%); highest among the groups gnomAD compares: African/African-American, 0.004%; no homozygotes.

Submissions (4):

Labcorp Genetics (formerly Invitae), Labcorp
Classification: Likely benign for Arrhythmogenic cardiomyopathy with wooly hair and keratoderma; Arrhythmogenic right ventricular dysplasia 8. Last evaluated: 2024-12-23. Review status: criteria provided, single submitter. Criteria: Invitae Variant Classification Sherloc (09022015). Collection method: clinical testing. Allele origin: germline.

All of Us Research Program, National Institutes of Health
Classification: Uncertain significance for Arrhythmogenic cardiomyopathy with wooly hair and keratoderma. Last evaluated: 2024-05-14. Review status: criteria provided, single submitter. Criteria: ACMG Guidelines, 2015. Collection method: clinical testing. Allele origin: germline. Inheritance: Autosomal dominant inheritance. Observed: 2 variant alleles, 2 heterozygotes.
Comment: This missense variant replaces arginine with glycine at codon 2063 of the DSP protein. Computational prediction suggests that this variant may not impact protein structure and function (internally defined REVEL score threshold <= 0.5, PMID: 27666373). To our knowledge, functional studies have not been reported for this variant. This variant has not been reported in individuals affected with DSP-related disorders in the literature. This variant has been identified in 2/281892 chromosomes in the general population by the Genome Aggregation Database (gnomAD). The available evidence is insufficient to determine the role of this variant in disease conclusively. Therefore, this variant is classified as a Variant of Uncertain Significance.

This study involves interpretation of variants in research participants for the purpose of population health screening. Participant phenotype was not available at the time of variant classification. Additional details can be found in publication PMID: 35346344, PMCID: PMC8962531

Fulgent Genetics
Classification: Uncertain significance for Arrhythmogenic cardiomyopathy with wooly hair and keratoderma; Arrhythmogenic right ventricular dysplasia 8; Lethal acantholytic epidermolysis bullosa; Keratosis palmoplantaris striata 2; Cardiomyopathy, dilated, with wooly hair, keratoderma, and tooth agenesis. Last evaluated: 2022-02-22. Review status: criteria provided, single submitter. Criteria: ACMG Guidelines, 2015. Collection method: clinical testing. Allele origin: unknown.

Ambry Genetics
Classification: Uncertain significance for Cardiovascular phenotype. Last evaluated: 2017-09-15. Review status: criteria provided, single submitter. Criteria: Ambry Variant Classification Scheme 2023. Collection method: clinical testing. Allele origin: germline.
Comment: The p.R2063G variant (also known as c.6187C>G), located in coding exon 24 of the DSP gene, results from a C to G substitution at nucleotide position 6187. The arginine at codon 2063 is replaced by glycine, an amino acid with dissimilar properties. This amino acid position is not well conserved in available vertebrate species. In addition, this alteration is predicted to be tolerated by in silico analysis. Since supporting evidence is limited at this time, the clinical significance of this alteration remains unclear.